The following is an entry in ClinVar:

NM_001972.4(ELANE):c.73G>A (p.Ala25Thr)

Gene: ELANE (elastase, neutrophil expressed; plus strand). Cytogenetic location: 19p13.3.
Variant type: single nucleotide variant.
Coding change: c.73G>A on transcript NM_001972.4 (MANE Select); coding-DNA position 73, G replaced by A.
Protein change: p.Ala25Thr; replaces alanine 25 with threonine.
Molecular consequence: missense variant.
Genome position (GRCh38, 1-based): chr19:852,881, G>A. VCF-style: chr19-852881-G-A. GRCh37 (hg19) VCF-style: chr19-852881-G-A.
Other names: short protein forms A25T.
Identifiers: ClinVar variation 1718175 (VCV001718175.6), dbSNP rs2512164382, ClinGen allele CA402914293.

ClinVar aggregate classification (germline): Uncertain significance (1 of 4 stars; one submission).

Conditions:
Neutropenia, severe congenital, 1, autosomal dominant. Identifiers: MedGen C1859966, MONDO:0042490, OMIM 202700.
Cyclical neutropenia. Also called: Cyclic Neutropenia; Cyclic hematopoiesis. Identifiers: Orphanet 2686, MedGen C0221023, MONDO:0008090, OMIM 162800, HP:0040289. Disease mechanism: loss of function.

Allele frequency attached by ClinVar (database versions not stated): gnomAD exomes below 0.00001.
gnomAD v4.1: 1 of 1,595,606 alleles (0.000063%); highest among the groups gnomAD compares: Non-Finnish European, 0.000085%; no homozygotes.

Submission:

Labcorp Genetics (formerly Invitae), Labcorp
Classification: Uncertain significance for Neutropenia, severe congenital, 1, autosomal dominant; Cyclical neutropenia. Last evaluated: 2022-08-27. Review status: criteria provided, single submitter. Criteria: Invitae Variant Classification Sherloc (09022015). Collection method: clinical testing. Allele origin: germline.
Comment: In summary, the available evidence is currently insufficient to determine the role of this variant in disease. Therefore, it has been classified as a Variant of Uncertain Significance. Algorithms developed to predict the effect of missense changes on protein structure and function output the following: SIFT: "Deleterious"; PolyPhen-2: "Possibly Damaging"; Align-GVGD: "Class C0". The threonine amino acid residue is found in multiple mammalian species, which suggests that this missense change does not adversely affect protein function. This variant has not been reported in the literature in individuals affected with ELANE-related conditions. This variant is not present in population databases (gnomAD no frequency). This sequence change replaces alanine, which is neutral and non-polar, with threonine, which is neutral and polar, at codon 25 of the ELANE protein (p.Ala25Thr).